The following is an entry in ClinVar:

NM_198253.3(TERT):c.1870A>G (p.Ile624Val)

Gene: TERT (telomerase reverse transcriptase; minus strand). Cytogenetic location: 5p15.33.
Variant type: single nucleotide variant.
Coding change: c.1870A>G on transcript NM_198253.3 (MANE Select); coding-DNA position 1870, A replaced by G.
Protein change: p.Ile624Val; replaces isoleucine 624 with valine.
Molecular consequence: missense variant. On other transcripts: non-coding transcript variant (2).
Genome position (GRCh38, 1-based): chr5:1,280,238, T>C on the plus strand (A>G on the coding strand, the complement: TERT is on the minus strand). VCF-style: chr5-1280238-T-C. GRCh37 (hg19) VCF-style: chr5-1280353-T-C.
Other names: c.1870A>G, p.Ile624Val (NM_001193376.3); short protein forms I624V.
Identifiers: ClinVar variation 1396698 (VCV001396698.8), dbSNP rs2126644408, ClinGen allele CA359081654.

ClinVar aggregate classification (germline): Uncertain significance (1 of 4 stars; one submission).

Conditions:
Dyskeratosis congenita, autosomal dominant 2. Identifiers: MedGen C3151443, MONDO:0013521, OMIM 613989.
Idiopathic Pulmonary Fibrosis. Also called: Idiopathic fibrosing alveolitis, chronic form; idiopathic fibrosing alveolitis. Identifiers: Orphanet 2032, MedGen C1800706, MeSH D054990, MONDO:0800504.

Submission:

Labcorp Genetics (formerly Invitae), Labcorp
Classification: Uncertain significance for Dyskeratosis congenita, autosomal dominant 2; Idiopathic Pulmonary Fibrosis. Last evaluated: 2024-02-24. Review status: criteria provided, single submitter. Criteria: Invitae Variant Classification Sherloc (09022015). Collection method: clinical testing. Allele origin: germline.
Comment: This sequence change replaces isoleucine, which is neutral and non-polar, with valine, which is neutral and non-polar, at codon 624 of the TERT protein (p.Ile624Val). This variant is not present in population databases (gnomAD no frequency). This variant has not been reported in the literature in individuals affected with TERT-related conditions. ClinVar contains an entry for this variant (Variation ID: 1396698). Advanced modeling of protein sequence and biophysical properties (such as structural, functional, and spatial information, amino acid conservation, physicochemical variation, residue mobility, and thermodynamic stability) performed at Invitae indicates that this missense variant is not expected to disrupt TERT protein function with a negative predictive value of 80%. In summary, the available evidence is currently insufficient to determine the role of this variant in disease. Therefore, it has been classified as a Variant of Uncertain Significance.